The following is an entry in ClinVar:

NM_030665.4(RAI1):c.877C>T (p.Leu293Phe)

Gene: RAI1 (retinoic acid induced 1; plus strand). Cytogenetic location: 17p11.2.
Variant type: single nucleotide variant.
Coding change: c.877C>T on transcript NM_030665.4 (MANE Select); coding-DNA position 877, C replaced by T.
Protein change: p.Leu293Phe; replaces leucine 293 with phenylalanine.
Molecular consequence: missense variant.
Genome position (GRCh38, 1-based): chr17:17,793,825, C>T. VCF-style: chr17-17793825-C-T. GRCh37 (hg19) VCF-style: chr17-17697139-C-T.
Other names: short protein forms L293F.
Identifiers: ClinVar variation 1382858 (VCV001382858.8), dbSNP rs773792703, ClinGen allele CA398546398.

ClinVar aggregate classification (germline): Uncertain significance (1 of 4 stars; one submission).

gnomAD v4.1: 3 of 1,613,100 alleles (0.00019%); highest among the groups gnomAD compares: Non-Finnish European, 0.00025%; no homozygotes.

Submission:

Labcorp Genetics (formerly Invitae), Labcorp
Classification: Uncertain significance. Last evaluated: 2025-09-17. Review status: criteria provided, single submitter. Criteria: Invitae Variant Classification Sherloc (09022015). Collection method: clinical testing. Allele origin: germline.
Comment: This sequence change replaces leucine, which is neutral and non-polar, with phenylalanine, which is neutral and non-polar, at codon 293 of the RAI1 protein (p.Leu293Phe). This variant is present in population databases (no rsID available, gnomAD 0.0009%). This variant has not been reported in the literature in individuals affected with RAI1-related conditions. ClinVar contains an entry for this variant (Variation ID: 1382858). Invitae Evidence Modeling of protein sequence and biophysical properties (such as structural, functional, and spatial information, amino acid conservation, physicochemical variation, residue mobility, and thermodynamic stability) indicates that this missense variant is not expected to disrupt RAI1 protein function with a negative predictive value of 80%. In summary, the available evidence is currently insufficient to determine the role of this variant in disease. Therefore, it has been classified as a Variant of Uncertain Significance.